The following is an entry in ClinVar:

ClinVar aggregate classification (germline): Uncertain significance (1 of 4 stars; one submission).

Conditions:
Fanconi anemia complementation group E (FANCE). Also called: FANCE-Related Fanconi Anemia. Identifiers: Orphanet 84, MedGen C3160739, MONDO:0010953, OMIM 600901.

Allele frequency attached by ClinVar (database versions not stated): TOPMed 0.00001.

Submission:

Labcorp Genetics (formerly Invitae), Labcorp
Classification: Uncertain significance for Fanconi anemia complementation group E. Last evaluated: 2023-05-03. Review status: criteria provided, single submitter. Criteria: Invitae Variant Classification Sherloc (09022015). Collection method: clinical testing. Allele origin: germline.
Comment: This variant has not been reported in the literature in individuals affected with FANCE-related conditions. This variant is not present in population databases (gnomAD no frequency). This sequence change replaces glutamic acid, which is acidic and polar, with glutamine, which is neutral and polar, at codon 303 of the FANCE protein (p.Glu303Gln). In summary, the available evidence is currently insufficient to determine the role of this variant in disease. Therefore, it has been classified as a Variant of Uncertain Significance. Algorithms developed to predict the effect of sequence changes on RNA splicing suggest that this variant may create or strengthen a splice site. An algorithm developed to predict the effect of missense changes on protein structure and function (PolyPhen-2) suggests that this variant is likely to be disruptive. ClinVar contains an entry for this variant (Variation ID: 1397510).

NM_021922.3(FANCE):c.907G>C (p.Glu303Gln)

Gene: FANCE (FA complementation group E; plus strand). Cytogenetic location: 6p21.31.
Variant type: single nucleotide variant.
Coding change: c.907G>C on transcript NM_021922.3 (MANE Select); coding-DNA position 907, G replaced by C.
Protein change: p.Glu303Gln; replaces glutamic acid 303 with glutamine.
Molecular consequence: missense variant.
Genome position (GRCh38, 1-based): chr6:35,457,922, G>C. VCF-style: chr6-35457922-G-C. GRCh37 (hg19) VCF-style: chr6-35425699-G-C.
Other names: short protein forms E303Q.
Identifiers: ClinVar variation 1397510 (VCV001397510.6), dbSNP rs1470052853, ClinGen allele CA363774880.